The following is an entry in ClinVar:

NM_001376.5(DYNC1H1):c.707T>C (p.Val236Ala)

Gene: DYNC1H1 (dynein cytoplasmic 1 heavy chain 1; plus strand). Cytogenetic location: 14q32.31.
Variant type: single nucleotide variant.
Coding change: c.707T>C on transcript NM_001376.5 (MANE Select); coding-DNA position 707, T replaced by C.
Protein change: p.Val236Ala; replaces valine 236 with alanine.
Molecular consequence: missense variant.
Genome position (GRCh38, 1-based): chr14:101,979,907, T>C. VCF-style: chr14-101979907-T-C. GRCh37 (hg19) VCF-style: chr14-102446244-T-C.
Other names: short protein forms V236A.
Identifiers: ClinVar variation 1304624 (VCV001304624.4), dbSNP rs995994279, ClinGen allele CA266973372.

ClinVar aggregate classification (germline): Uncertain significance. Review status: criteria provided, multiple submitters, no conflicts (2 of 4 stars). 2 submissions from 2 submitters: Uncertain significance (2). Last evaluated 2024-04-24.

Conditions:
Charcot-Marie-Tooth disease axonal type 2O. Also called: CHARCOT-MARIE-TOOTH NEUROPATHY, AXONAL, TYPE 2O; CHARCOT-MARIE-TOOTH DISEASE, AXONAL, AUTOSOMAL DOMINANT, TYPE 2O; Charcot-Marie-Tooth disease, axonal, type 20; Charcot-Marie-Tooth Neuropathy Type 2O. Identifiers: Orphanet 284232, MedGen C3280220, MONDO:0013644, OMIM 614228.

Allele frequency attached by ClinVar (database versions not stated): gnomAD 0.00001; TOPMed 0.00001.
gnomAD v4.1: 1 of 1,614,100 alleles (0.000062%); highest among the groups gnomAD compares: Non-Finnish European, 0.000085%; no homozygotes.

Submissions (2):

Labcorp Genetics (formerly Invitae), Labcorp
Classification: Uncertain significance for Charcot-Marie-Tooth disease axonal type 2O. Last evaluated: 2024-04-24. Review status: criteria provided, single submitter. Criteria: Invitae Variant Classification Sherloc (09022015). Collection method: clinical testing. Allele origin: germline.
Comment: This sequence change replaces valine, which is neutral and non-polar, with alanine, which is neutral and non-polar, at codon 236 of the DYNC1H1 protein (p.Val236Ala). This variant is not present in population databases (gnomAD no frequency). This variant has not been reported in the literature in individuals affected with DYNC1H1-related conditions. ClinVar contains an entry for this variant (Variation ID: 1304624). Advanced modeling of protein sequence and biophysical properties (such as structural, functional, and spatial information, amino acid conservation, physicochemical variation, residue mobility, and thermodynamic stability) performed at Invitae indicates that this missense variant is not expected to disrupt DYNC1H1 protein function with a negative predictive value of 95%. In summary, the available evidence is currently insufficient to determine the role of this variant in disease. Therefore, it has been classified as a Variant of Uncertain Significance.

GeneDx
Classification: Uncertain significance. Last evaluated: 2019-04-11. Review status: criteria provided, single submitter. Criteria: GeneDx Variant Classification Process June 2021. Collection method: clinical testing. Allele origin: germline. Affected: yes.
Comment: Not observed in large population cohorts (Lek et al., 2016); In silico analysis, which includes protein predictors and evolutionary conservation, supports that this variant does not alter protein structure/function; Has not been previously published as pathogenic or benign to our knowledge